The following is an entry in ClinVar:

NM_001194998.2(CEP152):c.838A>G (p.Lys280Glu)

Gene: CEP152 (centrosomal protein 152; minus strand). Cytogenetic location: 15q21.1.
Variant type: single nucleotide variant.
Coding change: c.838A>G on transcript NM_001194998.2 (MANE Select); coding-DNA position 838, A replaced by G.
Protein change: p.Lys280Glu; replaces lysine 280 with glutamic acid.
Molecular consequence: missense variant.
Genome position (GRCh38, 1-based): chr15:48,791,371, T>C on the plus strand (A>G on the coding strand, the complement: CEP152 is on the minus strand). VCF-style: chr15-48791371-T-C. GRCh37 (hg19) VCF-style: chr15-49083568-T-C.
Other names: c.838A>G, p.Lys280Glu (NM_014985.4); short protein forms K280E.
Identifiers: ClinVar variation 1364730 (VCV001364730.3), dbSNP rs2140885371, ClinGen allele CA392356191.

ClinVar aggregate classification (germline): Uncertain significance (1 of 4 stars; one submission).

Submission:

Labcorp Genetics (formerly Invitae), Labcorp
Classification: Uncertain significance. Last evaluated: 2022-08-10. Review status: criteria provided, single submitter. Criteria: Invitae Variant Classification Sherloc (09022015). Collection method: clinical testing. Allele origin: germline.
Comment: This sequence change replaces lysine, which is basic and polar, with glutamic acid, which is acidic and polar, at codon 280 of the CEP152 protein (p.Lys280Glu). This variant is not present in population databases (gnomAD no frequency). This variant has not been reported in the literature in individuals affected with CEP152-related conditions. ClinVar contains an entry for this variant (Variation ID: 1364730). Algorithms developed to predict the effect of missense changes on protein structure and function (SIFT, PolyPhen-2, Align-GVGD) all suggest that this variant is likely to be disruptive. In summary, the available evidence is currently insufficient to determine the role of this variant in disease. Therefore, it has been classified as a Variant of Uncertain Significance.